The following is an entry in ClinVar:

NM_000051.4(ATM):c.5347G>C (p.Glu1783Gln)

Gene: ATM (ATM serine/threonine kinase; plus strand). Cytogenetic location: 11q22.3.
Variant type: single nucleotide variant.
Coding change: c.5347G>C on transcript NM_000051.4 (MANE Select); coding-DNA position 5347, G replaced by C.
Protein change: p.Glu1783Gln; replaces glutamic acid 1783 with glutamine.
Molecular consequence: missense variant.
Genome position (GRCh38, 1-based): chr11:108,302,880, G>C. VCF-style: chr11-108302880-G-C. GRCh37 (hg19) VCF-style: chr11-108173607-G-C.
Other names: c.5347G>C, p.Glu1783Gln (NM_001351834.2); short protein forms E1783Q.
Identifiers: ClinVar variation 1746959 (VCV001746959.4), dbSNP rs2083498434, ClinGen allele CA382543209.

ClinVar aggregate classification (germline): Uncertain significance. Review status: criteria provided, multiple submitters, no conflicts (2 of 4 stars). 2 submissions from 2 submitters: Uncertain significance (2). Last evaluated 2022-12-05.

Conditions:
Hereditary cancer-predisposing syndrome. Also called: Hereditary Cancer Syndrome; Neoplastic Syndromes, Hereditary; Tumor predisposition; Hereditary neoplastic syndrome. Identifiers: Orphanet 140162, MedGen C0027672, MeSH D009386, MONDO:0015356.

Submissions (2):

Color Diagnostics, LLC DBA Color Health
Classification: Uncertain significance for Hereditary cancer-predisposing syndrome. Last evaluated: 2022-12-05. Review status: criteria provided, single submitter. Criteria: ACMG Guidelines, 2015. Collection method: clinical testing. Allele origin: germline.
Comment: This missense variant replaces glutamic acid with glutamine at codon 1783 of the ATM protein. Computational prediction suggests that this variant may not impact protein structure and function (internally defined REVEL score threshold <= 0.5, PMID: 27666373). To our knowledge, functional studies have not been reported for this variant. This variant has not been reported in individuals affected with ATM-related disorders in the literature. This variant has not been identified in the general population by the Genome Aggregation Database (gnomAD). The available evidence is insufficient to determine the role of this variant in disease conclusively. Therefore, this variant is classified as a Variant of Uncertain Significance.

Ambry Genetics
Classification: Uncertain significance for Hereditary cancer-predisposing syndrome. Last evaluated: 2021-10-06. Review status: criteria provided, single submitter. Criteria: Ambry Variant Classification Scheme 2023. Collection method: clinical testing. Allele origin: germline.
Comment: The p.E1783Q variant (also known as c.5347G>C), located in coding exon 35 of the ATM gene, results from a G to C substitution at nucleotide position 5347. The glutamic acid at codon 1783 is replaced by glutamine, an amino acid with highly similar properties. This amino acid position is conserved. In addition, this alteration is predicted to be tolerated by in silico analysis. Since supporting evidence is limited at this time, the clinical significance of this alteration remains unclear.